The following is an entry in ClinVar:

NM_004698.4(PRPF3):c.115G>A (p.Gly39Arg)

Gene: PRPF3 (pre-mRNA processing factor 3; plus strand). Cytogenetic location: 1q21.2.
Variant type: single nucleotide variant.
Coding change: c.115G>A on transcript NM_004698.4 (MANE Select); coding-DNA position 115, G replaced by A.
Protein change: p.Gly39Arg; replaces glycine 39 with arginine.
Molecular consequence: missense variant. On other transcripts: 5 prime UTR variant (1), non-coding transcript variant (4).
Genome position (GRCh38, 1-based): chr1:150,325,057, G>A. VCF-style: chr1-150325057-G-A. GRCh37 (hg19) VCF-style: chr1-150297515-G-A.
Other names: c.-387G>A (NM_001350529.1); short protein forms G39R.
Identifiers: ClinVar variation 3662375 (VCV003662375.2).

ClinVar aggregate classification (germline): Uncertain significance (1 of 4 stars; one submission).

Submission:

Labcorp Genetics (formerly Invitae), Labcorp
Classification: Uncertain significance. Last evaluated: 2024-09-11. Review status: criteria provided, single submitter. Criteria: Invitae Variant Classification Sherloc (09022015). Collection method: clinical testing. Allele origin: germline.
Comment: This sequence change replaces glycine, which is neutral and non-polar, with arginine, which is basic and polar, at codon 39 of the PRPF3 protein (p.Gly39Arg). This variant is not present in population databases (gnomAD no frequency). This variant has not been reported in the literature in individuals affected with PRPF3-related conditions. An algorithm developed to predict the effect of missense changes on protein structure and function (PolyPhen-2) suggests that this variant is likely to be disruptive. In summary, the available evidence is currently insufficient to determine the role of this variant in disease. Therefore, it has been classified as a Variant of Uncertain Significance.